The following is an entry in ClinVar:

ClinVar aggregate classification (germline): Benign/Likely benign. Review status: criteria provided, multiple submitters, no conflicts (2 of 4 stars). 6 submissions from 6 submitters: Benign (2); Likely benign (4). Last evaluated 2026-01-10.

Conditions:
Tuberous sclerosis syndrome (TSC). Also called: Tuberous Sclerosis Complex; Tuberous sclerosis. Identifiers: Orphanet 805, MedGen C0041341, MONDO:0001734.
Hereditary cancer-predisposing syndrome. Also called: Tumor predisposition; Neoplastic Syndromes, Hereditary; Hereditary Cancer Syndrome; Hereditary neoplastic syndrome. Identifiers: Orphanet 140162, MedGen C0027672, MeSH D009386, MONDO:0015356.
Tuberous sclerosis 1 (TSC1). Identifiers: Orphanet 805, MedGen C1854465, MONDO:0008612, OMIM 191100.

Allele frequency attached by ClinVar (database versions not stated): gnomAD exomes below 0.00001 and 0.00001; gnomAD 0.00001; TOPMed 0.00001; ExAC 0.00002.
gnomAD v4.1: 6 of 1,612,282 alleles (0.00037%); highest among the groups gnomAD compares: Non-Finnish European, 0.00051%; no homozygotes.

Submissions (6):

Labcorp Genetics (formerly Invitae), Labcorp
Classification: Likely benign for Tuberous sclerosis 1. Last evaluated: 2026-01-10. Review status: criteria provided, single submitter. Criteria: Invitae Variant Classification Sherloc (09022015). Collection method: clinical testing. Allele origin: germline.

Myriad Genetics, Inc.
Classification: Benign for Tuberous sclerosis 1. Last evaluated: 2025-04-24. Review status: criteria provided, single submitter. Criteria: Myriad Autosomal Dominant, Autosomal Recessive and X-Linked Classification Criteria (2023). Collection method: clinical testing. Allele origin: unknown.
Comment: This variant is considered benign. This variant is a silent/synonymous amino acid change and it is not expected to impact splicing.

All of Us Research Program, National Institutes of Health
Classification: Likely benign for Tuberous sclerosis syndrome. Last evaluated: 2023-09-17. Review status: criteria provided, single submitter. Criteria: ACMG Guidelines, 2015. Collection method: clinical testing. Allele origin: germline. Inheritance: Autosomal dominant inheritance. Observed: 4 variant alleles, 4 heterozygotes.
Comment: This study involves interpretation of variants in research participants for the purpose of population health screening. Participant phenotype was not available at the time of variant classification. Additional details can be found in publication PMID: 35346344, PMCID: PMC8962531

Color Diagnostics, LLC DBA Color Health
Classification: Likely benign for Tuberous sclerosis syndrome. Last evaluated: 2022-11-06. Review status: criteria provided, single submitter. Criteria: ACMG Guidelines, 2015. Collection method: clinical testing. Allele origin: germline.

Genome-Nilou Lab
Classification: Benign for Tuberous sclerosis 1. Last evaluated: 2021-11-07. Review status: criteria provided, single submitter. Criteria: ACMG Guidelines, 2015. Collection method: clinical testing. Allele origin: germline. Affected: no.

Ambry Genetics
Classification: Likely benign for Hereditary cancer-predisposing syndrome. Last evaluated: 2017-03-28. Review status: criteria provided, single submitter. Criteria: Ambry Variant Classification Scheme 2023. Collection method: clinical testing. Allele origin: germline.

NM_000368.5(TSC1):c.2196T>C (p.His732=)

Gene: TSC1 (TSC complex subunit 1; minus strand). Cytogenetic location: 9q34.13.
Variant type: single nucleotide variant.
Coding change: c.2196T>C on transcript NM_000368.5 (MANE Select); coding-DNA position 2196, T replaced by C.
Protein change: p.His732=; no amino-acid change (histidine 732 retained).
Molecular consequence: synonymous variant.
Genome position (GRCh38, 1-based): chr9:132,903,663, A>G on the plus strand (T>C on the coding strand, the complement: TSC1 is on the minus strand). VCF-style: chr9-132903663-A-G. GRCh37 (hg19) VCF-style: chr9-135779050-A-G.
Other names: c.2043T>C, p.His681= (NM_001162427.2); c.1833T>C, p.His611= (NM_001362177.2); c.2193T>C, p.His731= (NM_001162426.2).
Identifiers: ClinVar variation 416657 (VCV000416657.20), dbSNP rs776441369, ClinGen allele CA031671.